The following is an entry in ClinVar:

NM_001098511.3(KIF2A):c.251C>T (p.Ser84Phe)

Gene: KIF2A (kinesin family member 2A; plus strand). Cytogenetic location: 5q12.1.
Variant type: single nucleotide variant.
Coding change: c.251C>T on transcript NM_001098511.3 (MANE Select); coding-DNA position 251, C replaced by T.
Protein change: p.Ser84Phe; replaces serine 84 with phenylalanine.
Molecular consequence: missense variant.
Genome position (GRCh38, 1-based): chr5:62,348,139, C>T. VCF-style: chr5-62348139-C-T. GRCh37 (hg19) VCF-style: chr5-61643966-C-T.
Other names: c.170C>T, p.Ser57Phe (NM_001243952.2); c.251C>T, p.Ser84Phe (NM_001243953.2, NM_004520.5); short protein forms S57F, S84F.
Identifiers: ClinVar variation 4086723 (VCV004086723.1).

ClinVar aggregate classification (germline): Uncertain significance (1 of 4 stars; one submission).

Submission:

GeneDx
Classification: Uncertain significance. Last evaluated: 2025-03-20. Review status: criteria provided, single submitter. Criteria: GeneDx Variant Classification Process June 2021. Collection method: clinical testing. Allele origin: germline. Affected: yes.
Comment: Not observed at significant frequency in large population cohorts (gnomAD); In silico analysis supports that this missense variant has a deleterious effect on protein structure/function; Has not been previously published as pathogenic or benign to our knowledge